The following is an entry in ClinVar:

NM_014140.4(SMARCAL1):c.1851+5G>A

Gene: SMARCAL1 (SNF2 related chromatin remodeling annealing helicase 1; plus strand). Cytogenetic location: 2q35.
Variant type: single nucleotide variant.
Coding change: c.1851+5G>A on transcript NM_014140.4 (MANE Select); 5 bases into the intron after coding-DNA position 1851, G replaced by A.
Molecular consequence: intron variant.
Genome position (GRCh38, 1-based): chr2:216,447,163, G>A. VCF-style: chr2-216447163-G-A. GRCh37 (hg19) VCF-style: chr2-217311886-G-A.
Other names: c.1851+5G>A (NM_001127207.2).
Identifiers: ClinVar variation 463146 (VCV000463146.22), dbSNP rs2066514, ClinGen allele CA2098018.

ClinVar aggregate classification (germline): Conflicting classifications of pathogenicity. Review status: criteria provided, conflicting classifications (1 of 4 stars). 6 submissions from 6 submitters: Uncertain significance (2); Likely benign (3). 1 of the submissions does not count toward it. Last evaluated 2026-01-27.

Conditions:
SMARCAL1-related disorder. Also called: SMARCAL1-related condition.
Schimke immuno-osseous dysplasia (SIOD). Also called: Schimke Immunoosseous Dysplasia. Identifiers: Orphanet 1830, MedGen C0877024, MONDO:0009458, OMIM 242900.

Allele frequency attached by ClinVar (database versions not stated): ExAC 0.00068; gnomAD exomes 0.00069 and 0.00034; ESP Exome Variant Server 0.00108; gnomAD 0.00115 and 0.00122; TOPMed 0.00149; 1000 Genomes Project 0.00160; 1000 Genomes Project 30x 0.00172.
gnomAD v4.1: 675 of 1,613,934 alleles (0.042%); highest among the groups gnomAD compares: African/African-American, 0.33%; 2 homozygotes.

Submissions (8):

Labcorp Genetics (formerly Invitae), Labcorp
Classification: Likely benign for Schimke immuno-osseous dysplasia. Last evaluated: 2026-01-27. Review status: criteria provided, single submitter. Criteria: Invitae Variant Classification Sherloc (09022015). Collection method: clinical testing. Allele origin: germline.

Blueprint Genetics
Classification: Likely benign. Last evaluated: 2024-11-25. Review status: criteria provided, single submitter. Criteria: ACMG Guidelines, 2015. Collection method: clinical testing. Allele origin: germline.

Center for Genomics, Ann and Robert H. Lurie Children's Hospital of Chicago
Classification: Uncertain significance for Schimke immuno-osseous dysplasia. Last evaluated: 2021-03-30. Review status: criteria provided, single submitter. Criteria: ACMG Guidelines, 2015. Collection method: clinical testing. Allele origin: germline.
Comment: SMARCAL1 NM_014140.3 exon 11 c.1851+5G>A: This variant has not been reported in the literature but is present in 0.3% (84/24022) of African alleles in the Genome Aggregation Database. This variant is present in ClinVar (Variation ID:463146). Evolutionary conservation and computational predictive tools for this variant are limited or unavailable. This variant is an intronic variant; splice prediction tools are unclear whether this variant may or may not affect splicing. Further studies are needed to understand its impact. In summary, data on this variant is insufficient for disease classification. Therefore, the clinical significance of this variant is uncertain.

PreventionGenetics, part of Exact Sciences
Classification: Likely benign for SMARCAL1-related condition. Last evaluated: 2021-03-25. Review status: criteria provided, single submitter. Criteria: ACMG Guidelines, 2015. Collection method: clinical testing. Allele origin: germline.
Comment: This variant is classified as likely benign based on ACMG/AMP sequence variant interpretation guidelines (Richards et al. 2015 PMID: 25741868, with internal and published modifications).

Eurofins Ntd Llc (ga)
Classification: Uncertain significance. Last evaluated: 2017-01-09. Review status: criteria provided, single submitter. Criteria: EGL Classification Definitions 2015. Collection method: clinical testing. Allele origin: germline. Observed: 1 variant allele, 1 heterozygote.

Natera, Inc.
Classification: Likely benign for Schimke immuno-osseous dysplasia. Last evaluated: 2020-09-16. Review status: no assertion criteria provided. Collection method: clinical testing. Allele origin: germline. Not counted in ClinVar's aggregate classification.

Dr. Peter K. Rogan Lab, Western University
No classification provided (evidence only). Condition: Thymoma. Review status: no classification provided. Collection method: in vitro. Allele origin: not applicable. Functional consequence: retained intron. Not counted in ClinVar's aggregate classification.

Dr. Peter K. Rogan Lab, Western University
No classification provided (evidence only). Condition: Adrenocortical carcinoma, hereditary. Review status: no classification provided. Collection method: in vitro. Allele origin: not applicable. Functional consequence: retained intron. Not counted in ClinVar's aggregate classification.